The following is an entry in ClinVar:

ClinVar aggregate classification (germline): Uncertain significance. Review status: criteria provided, multiple submitters, no conflicts (2 of 4 stars). 2 submissions from 2 submitters: Uncertain significance (2). Last evaluated 2024-08-05.

Allele frequency attached by ClinVar (database versions not stated): gnomAD exomes below 0.00001; ExAC 0.00001; TOPMed 0.00004; gnomAD 0.00005; ESP Exome Variant Server 0.00008.
gnomAD v4.1: 13 of 1,609,006 alleles (0.00081%); highest among the groups gnomAD compares: African/African-American, 0.0093%; no homozygotes.

Submissions (2):

Labcorp Genetics (formerly Invitae), Labcorp
Classification: Uncertain significance. Last evaluated: 2024-08-05. Review status: criteria provided, single submitter. Criteria: Invitae Variant Classification Sherloc (09022015). Collection method: clinical testing. Allele origin: germline.
Comment: This sequence change replaces arginine, which is basic and polar, with tryptophan, which is neutral and slightly polar, at codon 1153 of the PTPN23 protein (p.Arg1153Trp). This variant is present in population databases (rs139131794, gnomAD 0.01%). This variant has not been reported in the literature in individuals affected with PTPN23-related conditions. ClinVar contains an entry for this variant (Variation ID: 1804350). An algorithm developed to predict the effect of missense changes on protein structure and function (PolyPhen-2) suggests that this variant is likely to be disruptive. In summary, the available evidence is currently insufficient to determine the role of this variant in disease. Therefore, it has been classified as a Variant of Uncertain Significance.

GeneDx
Classification: Uncertain significance. Last evaluated: 2022-06-13. Review status: criteria provided, single submitter. Criteria: GeneDx Variant Classification Process June 2021. Collection method: clinical testing. Allele origin: germline. Affected: yes.
Comment: In silico analysis supports that this missense variant has a deleterious effect on protein structure/function; Has not been previously published as pathogenic or benign to our knowledge

NM_015466.4(PTPN23):c.3457C>T (p.Arg1153Trp)

Gene: PTPN23 (protein tyrosine phosphatase non-receptor type 23; plus strand). Cytogenetic location: 3p21.31.
Variant type: single nucleotide variant.
Coding change: c.3457C>T on transcript NM_015466.4 (MANE Select); coding-DNA position 3457, C replaced by T.
Protein change: p.Arg1153Trp; replaces arginine 1153 with tryptophan.
Molecular consequence: missense variant.
Genome position (GRCh38, 1-based): chr3:47,411,255, C>T. VCF-style: chr3-47411255-C-T. GRCh37 (hg19) VCF-style: chr3-47452745-C-T.
Other names: c.3079C>T, p.Arg1027Trp (NM_001304482.2); short protein forms R1027W, R1153W.
Identifiers: ClinVar variation 1804350 (VCV001804350.5), dbSNP rs139131794, ClinGen allele CA2366282.